The following is an entry in ClinVar:

NM_020937.4(FANCM):c.50C>G (p.Ser17Cys)

Gene: FANCM (FA complementation group M; plus strand). Cytogenetic location: 14q21.2.
Variant type: single nucleotide variant.
Coding change: c.50C>G on transcript NM_020937.4 (MANE Select); coding-DNA position 50, C replaced by G.
Protein change: p.Ser17Cys; replaces serine 17 with cysteine.
Molecular consequence: missense variant.
Genome position (GRCh38, 1-based): chr14:45,136,081, C>G. VCF-style: chr14-45136081-C-G. GRCh37 (hg19) VCF-style: chr14-45605284-C-G.
Other names: c.50C>G, p.Ser17Cys (NM_001308133.2, NM_001308134.2); short protein forms S17C.
Identifiers: ClinVar variation 4619635 (VCV004619635.1).

ClinVar aggregate classification (germline): Uncertain significance (1 of 4 stars; one submission).

Conditions:
Inborn genetic diseases. Identifiers: MedGen C0950123, MeSH D030342.

gnomAD v4.1: 3 of 1,614,030 alleles (0.00019%); highest among the groups gnomAD compares: South Asian, 0.0033%; no homozygotes.

Submission:

Ambry Genetics
Classification: Uncertain significance for Inborn genetic diseases. Last evaluated: 2025-12-09. Review status: criteria provided, single submitter. Criteria: Ambry Variant Classification Scheme 2023. Collection method: clinical testing. Allele origin: germline.
Comment: The p.S17C variant (also known as c.50C>G), located in coding exon 1 of the FANCM gene, results from a C to G substitution at nucleotide position 50. The serine at codon 17 is replaced by cysteine, an amino acid with dissimilar properties. This amino acid position is conserved. In addition, this alteration is predicted to be tolerated by in silico analysis. Based on the available evidence, the clinical significance of this variant remains unclear.